The following is an entry in ClinVar:

ClinVar aggregate classification (germline): Conflicting classifications of pathogenicity. Review status: criteria provided, conflicting classifications (1 of 4 stars). 4 submissions from 4 submitters: Uncertain significance (3); Likely benign (1). Last evaluated 2024-08-26.

Conditions:
Familial cancer of breast. Also called: BREAST CANCER, FAMILIAL; Hereditary breast cancer; hereditary breast carcinoma. Identifiers: Orphanet 227535, MedGen C0346153, MONDO:0016419, OMIM 114480. Disease mechanism: loss of function.
Hereditary cancer-predisposing syndrome. Also called: Neoplastic Syndromes, Hereditary; Hereditary Cancer Syndrome; Hereditary neoplastic syndrome; Tumor predisposition. Identifiers: Orphanet 140162, MedGen C0027672, MeSH D009386, MONDO:0015356.

Allele frequency attached by ClinVar (database versions not stated): gnomAD exomes below 0.00001; TOPMed below 0.00001.
gnomAD v4.1: 1 of 1,613,910 alleles (0.000062%); highest among the groups gnomAD compares: Non-Finnish European, 0.000085%; no homozygotes.

Submissions (4):

Color Diagnostics, LLC DBA Color Health
Classification: Uncertain significance for Hereditary cancer-predisposing syndrome. Last evaluated: 2024-08-26. Review status: criteria provided, single submitter. Criteria: ACMG Guidelines, 2015. Collection method: clinical testing. Allele origin: germline.
Comment: This missense variant replaces proline with leucine at codon 378 of the PALB2 protein. Computational prediction suggests that this variant may not impact protein structure and function (internally defined REVEL score threshold <= 0.5, PMID: 27666373). To our knowledge, functional studies have not been reported for this variant. This variant has not been reported in individuals affected with PALB2-related disorders in the literature. This variant has not been identified in the general population by the Genome Aggregation Database (gnomAD). The available evidence is insufficient to determine the role of this variant in disease conclusively. Therefore, this variant is classified as a Variant of Uncertain Significance.

Ambry Genetics
Classification: Likely benign for Hereditary cancer-predisposing syndrome. Last evaluated: 2024-06-17. Review status: criteria provided, single submitter. Criteria: Ambry Variant Classification Scheme 2023. Collection method: clinical testing. Allele origin: germline.

GeneDx
Classification: Uncertain significance. Last evaluated: 2022-04-22. Review status: criteria provided, single submitter. Criteria: GeneDx Variant Classification Process June 2021. Collection method: clinical testing. Allele origin: germline. Affected: yes.
Comment: Not observed at significant frequency in large population cohorts (gnomAD); In silico analysis supports that this missense variant has a deleterious effect on protein structure/function; Has not been previously published as pathogenic or benign to our knowledge

Labcorp Genetics (formerly Invitae), Labcorp
Classification: Uncertain significance for Familial cancer of breast. Last evaluated: 2020-01-31. Review status: criteria provided, single submitter. Criteria: Invitae Variant Classification Sherloc (09022015). Collection method: clinical testing. Allele origin: germline.
Comment: In summary, this variant is a novel missense change that is not predicted to affect protein function. There is no indication that it causes disease, but the available evidence is currently insufficient to prove that conclusively. Therefore, it has been classified as a Variant of Uncertain Significance. Algorithms developed to predict the effect of missense changes on protein structure and function (SIFT, PolyPhen-2, Align-GVGD) all suggest that this variant is likely to be tolerated, but these predictions have not been confirmed by published functional studies. This variant is not present in population databases (ExAC no frequency) and has not been reported in the literature in individuals with a PALB2-related disease. This sequence change replaces proline with leucine at codon 378 of the PALB2 protein (p.Pro378Leu). The proline residue is weakly conserved and there is a moderate physicochemical difference between proline and leucine.

NM_024675.4(PALB2):c.1133C>T (p.Pro378Leu)

Gene: PALB2 (partner and localizer of BRCA2; minus strand). Cytogenetic location: 16p12.2.
Variant type: single nucleotide variant.
Coding change: c.1133C>T on transcript NM_024675.4 (MANE Select); coding-DNA position 1133, C replaced by T.
Protein change: p.Pro378Leu; replaces proline 378 with leucine.
Molecular consequence: missense variant.
Genome position (GRCh38, 1-based): chr16:23,635,413, G>A on the plus strand (C>T on the coding strand, the complement: PALB2 is on the minus strand). VCF-style: chr16-23635413-G-A. GRCh37 (hg19) VCF-style: chr16-23646734-G-A.
Other names: short protein forms P378L.
Identifiers: ClinVar variation 460880 (VCV000460880.15), dbSNP rs1442895662, ClinGen allele CA395133627.
Genomic context (GRCh38, chr16:23,635,413, plus strand): 5'-ACTGTGCAAGAATGTTTTTCTGCAGAAAGAGGAGAGGTTGCTTCCAGGCTAAGACTCTTA[G>A]GTTGACTTAGAATCTCACTTTCCTGAAGATTTTCATTCCTGCCATCAAGAGTGTCACTGG-3'
Protein context (NP_078951.2, residues 368-388): NLQESEILSQ[Pro378Leu]KSLSLEATSP